The following is an entry in ClinVar:

NM_015213.4(DENND5A):c.937C>A (p.Leu313Ile)

Gene: DENND5A (DENN domain containing 5A; minus strand). Cytogenetic location: 11p15.4.
Variant type: single nucleotide variant.
Coding change: c.937C>A on transcript NM_015213.4 (MANE Select); coding-DNA position 937, C replaced by A.
Protein change: p.Leu313Ile; replaces leucine 313 with isoleucine.
Molecular consequence: missense variant. On other transcripts: non-coding transcript variant (1).
Genome position (GRCh38, 1-based): chr11:9,203,672, G>T on the plus strand (C>A on the coding strand, the complement: DENND5A is on the minus strand). VCF-style: chr11-9203672-G-T. GRCh37 (hg19) VCF-style: chr11-9225219-G-T.
Other names: c.937C>A, p.Leu313Ile (NM_001243254.2, NM_001348748.1); c.865C>A, p.Leu289Ile (NM_001348749.2); c.649C>A, p.Leu217Ile (NM_001348750.2); short protein forms L217I, L289I, L313I.
Identifiers: ClinVar variation 2019071 (VCV002019071.4), dbSNP rs2493906333, ClinGen allele CA379596883.

ClinVar aggregate classification (germline): Uncertain significance (1 of 4 stars; one submission).

Submission:

Labcorp Genetics (formerly Invitae), Labcorp
Classification: Uncertain significance. Last evaluated: 2023-07-17. Review status: criteria provided, single submitter. Criteria: Invitae Variant Classification Sherloc (09022015). Collection method: clinical testing. Allele origin: germline.
Comment: This variant is not present in population databases (gnomAD no frequency). This sequence change replaces leucine, which is neutral and non-polar, with isoleucine, which is neutral and non-polar, at codon 313 of the DENND5A protein (p.Leu313Ile). This variant has not been reported in the literature in individuals affected with DENND5A-related conditions. In summary, the available evidence is currently insufficient to determine the role of this variant in disease. Therefore, it has been classified as a Variant of Uncertain Significance. Advanced modeling of protein sequence and biophysical properties (such as structural, functional, and spatial information, amino acid conservation, physicochemical variation, residue mobility, and thermodynamic stability) performed at Invitae indicates that this missense variant is not expected to disrupt DENND5A protein function. ClinVar contains an entry for this variant (Variation ID: 2019071).